The following is an entry in ClinVar:

ClinVar aggregate classification (germline): Benign/Likely benign. Review status: criteria provided, multiple submitters, no conflicts (2 of 4 stars). 2 submissions from 2 submitters: Benign (1); Likely benign (1). Last evaluated 2024-03-05.

Conditions:
Familial adenomatous polyposis 1 (FAP1). Also called: POLYPOSIS, ADENOMATOUS INTESTINAL; FAMILIAL ADENOMATOUS POLYPOSIS 1, ATTENUATED. Identifiers: MedGen C2713442, MONDO:0021056, OMIM 175100. Disease mechanism: loss of function.
Hereditary cancer-predisposing syndrome. Also called: Neoplastic Syndromes, Hereditary; Tumor predisposition; Hereditary neoplastic syndrome; Hereditary Cancer Syndrome. Identifiers: Orphanet 140162, MedGen C0027672, MeSH D009386, MONDO:0015356.

Allele frequency attached by ClinVar (database versions not stated): gnomAD 0.00001; TOPMed 0.00001.
gnomAD v4.1: 1 of 1,613,252 alleles (0.000062%); highest among the groups gnomAD compares: African/African-American, 0.0013%; no homozygotes.

Submissions (2):

Ambry Genetics
Classification: Likely benign for Hereditary cancer-predisposing syndrome. Last evaluated: 2024-03-05. Review status: criteria provided, single submitter. Criteria: Ambry Variant Classification Scheme 2023. Collection method: clinical testing. Allele origin: germline.

Myriad Genetics, Inc.
Classification: Benign for Familial adenomatous polyposis 1. Last evaluated: 2024-03-01. Review status: criteria provided, single submitter. Criteria: Myriad Autosomal Dominant, Autosomal Recessive and X-Linked Classification Criteria (2023). Collection method: clinical testing. Allele origin: unknown.
Comment: This variant is considered benign. This variant is a silent/synonymous amino acid change and it is not expected to impact splicing.

NM_000038.6(APC):c.1410G>A (p.Gly470=)

Gene: APC (APC regulator of Wnt signaling pathway; plus strand). Cytogenetic location: 5q22.2.
Variant type: single nucleotide variant.
Coding change: c.1410G>A on transcript NM_000038.6 (MANE Select); coding-DNA position 1410, G replaced by A.
Protein change: p.Gly470=; no amino-acid change (glycine 470 retained).
Molecular consequence: synonymous variant.
Genome position (GRCh38, 1-based): chr5:112,827,109, G>A. VCF-style: chr5-112827109-G-A. GRCh37 (hg19) VCF-style: chr5-112162806-G-A.
Other names: c.1410G>A, p.Gly470= (NM_001127510.3, NM_001354895.2, NM_001407450.1); c.1356G>A, p.Gly452= (NM_001127511.3); c.1464G>A, p.Gly488= (NM_001354896.2, NM_001407447.1, NM_001407448.1 and 1 more transcripts); c.1440G>A, p.Gly480= (NM_001354897.2); c.1335G>A, p.Gly445= (NM_001354898.2); c.1032G>A, p.Gly344= (NM_001354904.2); c.930G>A, p.Gly310= (NM_001354905.2); c.561G>A, p.Gly187= (NM_001354906.2, NM_001407470.1); and 12 more.
Identifiers: ClinVar variation 3148785 (VCV003148785.1), dbSNP rs891419866, ClinGen allele CA124975904.